The following is an entry in ClinVar:

NM_006416.5(SLC35A1):c.639G>A (p.Met213Ile)

Gene: SLC35A1 (solute carrier family 35 member A1; plus strand). Cytogenetic location: 6q15.
Variant type: single nucleotide variant.
Coding change: c.639G>A on transcript NM_006416.5 (MANE Select); coding-DNA position 639, G replaced by A.
Protein change: p.Met213Ile; replaces methionine 213 with isoleucine.
Molecular consequence: missense variant. On other transcripts: intron variant (1).
Genome position (GRCh38, 1-based): chr6:87,508,484, G>A. VCF-style: chr6-87508484-G-A. GRCh37 (hg19) VCF-style: chr6-88218202-G-A.
Other names: c.575-557G>A (NM_001168398.2); short protein forms M213I.
Identifiers: ClinVar variation 2974340 (VCV002974340.1), dbSNP rs572045939, ClinGen allele CA3916023.

ClinVar aggregate classification (germline): Uncertain significance (1 of 4 stars; one submission).

Conditions:
SLC35A1-congenital disorder of glycosylation. Also called: CONGENITAL DISORDER OF GLYCOSYLATION, TYPE IIf; SLC35A1-CDG; CDG IIf. Identifiers: Orphanet 238459, MedGen C1970344, MONDO:0011342, OMIM 603585.

Allele frequency attached by ClinVar (database versions not stated): gnomAD exomes below 0.00001; TOPMed below 0.00001; ExAC 0.00001; gnomAD 0.00001; 1000 Genomes Project 30x 0.00016; 1000 Genomes Project 0.00020.
gnomAD v4.1: 7 of 1,612,534 alleles (0.00043%); highest among the groups gnomAD compares: East Asian, 0.0067%; no homozygotes.

Submission:

Labcorp Genetics (formerly Invitae), Labcorp
Classification: Uncertain significance for SLC35A1-congenital disorder of glycosylation. Last evaluated: 2023-12-12. Review status: criteria provided, single submitter. Criteria: Invitae Variant Classification Sherloc (09022015). Collection method: clinical testing. Allele origin: germline.
Comment: This sequence change replaces methionine, which is neutral and non-polar, with isoleucine, which is neutral and non-polar, at codon 213 of the SLC35A1 protein (p.Met213Ile). This variant is present in population databases (rs572045939, gnomAD 0.02%). This variant has not been reported in the literature in individuals affected with SLC35A1-related conditions. Advanced modeling of protein sequence and biophysical properties (such as structural, functional, and spatial information, amino acid conservation, physicochemical variation, residue mobility, and thermodynamic stability) performed at Invitae indicates that this missense variant is not expected to disrupt SLC35A1 protein function with a negative predictive value of 80%. In summary, the available evidence is currently insufficient to determine the role of this variant in disease. Therefore, it has been classified as a Variant of Uncertain Significance.